The following is an entry in ClinVar:

NM_001164508.2(NEB):c.19621del (p.Ser6541fs)

Genes: NEB (nebulin; minus strand), LOC126806373 (BRD4-independent group 4 enhancer GRCh37_chr2:152410007-152411206; plus strand). Cytogenetic location: 2q23.3.
Variant type: Deletion.
Coding change: c.19621del on transcript NM_001164508.2 (MANE Select); coding-DNA position 19621, one base deleted (A; older notation c.19621delA).
Protein change: p.Ser6541fs; shifts the reading frame from serine 6541.
Molecular consequence: frameshift variant.
Genome position (GRCh38, 1-based): chr2:151,553,833, T deleted on the plus strand (A on the coding strand, the reverse complement: NEB is on the minus strand). VCF-style (leftmost placement, unchanged base first): chr2-151553832-CT-C. GRCh37 (hg19) VCF-style: chr2-152410346-CT-C.
Other names: c.19621del, p.Ser6541fs (NM_001164507.2, NM_001271208.2); c.14518del, p.Ser4840fs (NM_004543.5); short protein forms S6541fs, S4840fs.
Identifiers: ClinVar variation 1460231 (VCV001460231.6), dbSNP rs2153659861, ClinGen allele CA2573133355.

ClinVar aggregate classification (germline): Pathogenic (1 of 4 stars; one submission).

Conditions:
Nemaline myopathy 2 (NEM2). Also called: Nemaline myopathy 2, autosomal recessive. Identifiers: MedGen C1850569, MONDO:0009725, OMIM 256030.

Submission:

Labcorp Genetics (formerly Invitae), Labcorp
Classification: Pathogenic for Nemaline myopathy 2. Last evaluated: 2021-12-07. Review status: criteria provided, single submitter. Criteria: Invitae Variant Classification Sherloc (09022015). Collection method: clinical testing. Allele origin: germline.
Comment: For these reasons, this variant has been classified as Pathogenic. This variant has not been reported in the literature in individuals affected with NEB-related conditions. This variant is not present in population databases (gnomAD no frequency). This sequence change creates a premature translational stop signal (p.Ser6541Alafs*12) in the NEB gene. It is expected to result in an absent or disrupted protein product. Loss-of-function variants in NEB are known to be pathogenic (PMID: 25205138).

Literature cited by the submitters: PubMed 25205138.